The following is an entry in ClinVar:

ClinVar aggregate classification (germline): Conflicting classifications of pathogenicity. Review status: criteria provided, conflicting classifications (1 of 4 stars). 5 submissions from 5 submitters: Uncertain significance (1); Benign (1); Likely benign (1). 2 of the submissions do not count toward it. Last evaluated 2026-02-01.

Conditions:
CYP27A1-related disorder. Also called: CYP27A1-related condition.
Cardiovascular phenotype. Identifiers: MedGen CN230736.
Cholestanol storage disease (CTX). Also called: CTX: Cerebrotendinous xanthomatosis; CEREBRAL CHOLESTERINOSIS; Cerebrotendinous Xanthomatosis. Identifiers: Orphanet 909, MedGen C0238052, MONDO:0008948, OMIM 213700.

Allele frequency attached by ClinVar (database versions not stated): gnomAD 0.00002 and 0.00003; ExAC 0.00007; gnomAD exomes 0.00008; TOPMed 0.00004.
gnomAD v4.1: 85 of 1,613,982 alleles (0.0053%); highest among the groups gnomAD compares: South Asian, 0.037%; 1 homozygote.

Submissions (5):

Labcorp Genetics (formerly Invitae), Labcorp
Classification: Benign for Cholestanol storage disease. Last evaluated: 2026-02-01. Review status: criteria provided, single submitter. Criteria: Invitae Variant Classification Sherloc (09022015). Collection method: clinical testing. Allele origin: germline.

Ambry Genetics
Classification: Likely benign for Cardiovascular phenotype. Last evaluated: 2022-11-04. Review status: criteria provided, single submitter. Criteria: Ambry Variant Classification Scheme 2023. Collection method: clinical testing. Allele origin: germline.

Eurofins Ntd Llc (ga)
Classification: Uncertain significance. Last evaluated: 2017-02-22. Review status: criteria provided, single submitter. Criteria: EGL Classification Definitions 2015. Collection method: clinical testing. Allele origin: germline. Observed: 1 variant allele, 1 heterozygote.

PreventionGenetics, part of Exact Sciences
Classification: Likely benign for CYP27A1-related condition. Last evaluated: 2024-03-10. Review status: no assertion criteria provided. Collection method: clinical testing. Allele origin: germline. Not counted in ClinVar's aggregate classification.
Comment: This variant is classified as likely benign based on ACMG/AMP sequence variant interpretation guidelines (Richards et al. 2015 PMID: 25741868, with internal and published modifications).

Natera, Inc.
Classification: Likely benign for Cerebrotendinous xanthomatosis. Last evaluated: 2021-07-30. Review status: no assertion criteria provided. Collection method: clinical testing. Allele origin: germline. Not counted in ClinVar's aggregate classification.

NM_000784.4(CYP27A1):c.315C>T (p.His105=)

Gene: CYP27A1 (cytochrome P450 family 27 subfamily A member 1; plus strand). Cytogenetic location: 2q35.
Variant type: single nucleotide variant.
Coding change: c.315C>T on transcript NM_000784.4 (MANE Select); coding-DNA position 315, C replaced by T.
Protein change: p.His105=; no amino-acid change (histidine 105 retained).
Molecular consequence: synonymous variant.
Genome position (GRCh38, 1-based): chr2:218,809,636, C>T. VCF-style: chr2-218809636-C-T. GRCh37 (hg19) VCF-style: chr2-219674359-C-T.
Identifiers: ClinVar variation 500515 (VCV000500515.22), dbSNP rs753981913, ClinGen allele CA2112564.